The following is an entry in ClinVar:

ClinVar aggregate classification (germline): Likely benign. Review status: criteria provided, multiple submitters, no conflicts (2 of 4 stars). 2 submissions from 2 submitters: Likely benign (2). Last evaluated 2024-11-14.

Conditions:
Renal cell carcinoma. Identifiers: Orphanet 217071, MedGen C0007134, MeSH D002292, MONDO:0005086, HP:0005584.
Papillary renal cell carcinoma type 1 (RCCP1). Also called: RENAL CELL CARCINOMA, PAPILLARY, 1, SOMATIC; Renal adenocarcinoma; Renal cell carcinoma 1; Renal cell carcinoma, somatic. Identifiers: Orphanet 47044, MedGen C1336839, OMIM 605074, HP:0011797.

Allele frequency attached by ClinVar (database versions not stated): gnomAD exomes below 0.00001; TOPMed below 0.00001.
gnomAD v4.1: 4 of 1,613,590 alleles (0.00025%); highest among the groups gnomAD compares: Non-Finnish European, 0.00034%; no homozygotes.

Submissions (2):

Myriad Genetics, Inc.
Classification: Likely benign for Papillary renal cell carcinoma type 1. Last evaluated: 2024-11-14. Review status: criteria provided, single submitter. Criteria: Myriad Autosomal Dominant, Autosomal Recessive and X-Linked Classification Criteria (2023). Collection method: clinical testing. Allele origin: unknown.
Comment: This variant is considered likely benign. This variant is intronic and is not expected to impact mRNA splicing.

Labcorp Genetics (formerly Invitae), Labcorp
Classification: Likely benign for Renal cell carcinoma. Last evaluated: 2022-02-01. Review status: criteria provided, single submitter. Criteria: Invitae Variant Classification Sherloc (09022015). Collection method: clinical testing. Allele origin: germline.

NM_000245.4(MET):c.3799-12T>C

Gene: MET (MET proto-oncogene, receptor tyrosine kinase; plus strand). Cytogenetic location: 7q31.2.
Variant type: single nucleotide variant.
Coding change: c.3799-12T>C on transcript NM_000245.4 (MANE Select); 12 bases into the intron before coding-DNA position 3799, T replaced by C.
Molecular consequence: intron variant.
Genome position (GRCh38, 1-based): chr7:116,795,643, T>C. VCF-style: chr7-116795643-T-C. GRCh37 (hg19) VCF-style: chr7-116435697-T-C.
Other names: c.3853-12T>C (NM_001127500.3); c.2509-12T>C (NM_001324402.2).
Identifiers: ClinVar variation 1917943 (VCV001917943.6), dbSNP rs1795644889, ClinGen allele CA1737029334.